The following is an entry in ClinVar:

ClinVar aggregate classification (germline): Uncertain significance. Review status: criteria provided, multiple submitters, no conflicts (2 of 4 stars). 2 submissions from 2 submitters: Uncertain significance (2). Last evaluated 2026-07-14.

Conditions:
Inborn genetic diseases. Identifiers: MedGen C0950123, MeSH D030342.

gnomAD v4.1: 1 of 1,614,012 alleles (0.000062%); highest among the groups gnomAD compares: African/African-American, 0.0013%; no homozygotes.

Submissions (2):

Ambry Genetics
Classification: Uncertain significance for Inborn genetic diseases. Last evaluated: 2026-07-14. Review status: criteria provided, single submitter. Criteria: Ambry Variant Classification Scheme 2023. Collection method: clinical testing. Allele origin: germline.

GeneDx
Classification: Uncertain significance. Last evaluated: 2025-05-30. Review status: criteria provided, single submitter. Criteria: GeneDx Variant Classification Process June 2021. Collection method: clinical testing. Allele origin: germline. Affected: yes.
Comment: Not observed at significant frequency in large population cohorts (gnomAD); In silico analysis supports that this missense variant has a deleterious effect on protein structure/function; Has not been previously published as pathogenic or benign to our knowledge

NM_016343.4(CENPF):c.1957A>C (p.Thr653Pro)

Gene: CENPF (centromere protein F; plus strand). Cytogenetic location: 1q41.
Variant type: single nucleotide variant.
Coding change: c.1957A>C on transcript NM_016343.4 (MANE Select); coding-DNA position 1957, A replaced by C.
Protein change: p.Thr653Pro; replaces threonine 653 with proline.
Molecular consequence: missense variant.
Genome position (GRCh38, 1-based): chr1:214,640,295, A>C. VCF-style: chr1-214640295-A-C. GRCh37 (hg19) VCF-style: chr1-214813638-A-C.
Other names: short protein forms T653P.
Identifiers: ClinVar variation 4532744 (VCV004532744.2).
Genomic context (GRCh38, chr1:214,640,295, plus strand): 5'-ATGGAATCAGAAAAGGAAAACTTGCAGAGTAAAATTAATCACTTGGAAACTTGTCTGAAG[A>C]CACAGCAAATAAAAAGTCATGAATACAACGAGAGAGTAAGAACGCTGGAGATGGACAGAG-3'
Protein context (NP_057427.3, residues 643-663): KINHLETCLK[Thr653Pro]QQIKSHEYNE